The following is an entry in ClinVar:

NM_000562.3(C8A):c.88C>G (p.Arg30Gly)

Gene: C8A (complement C8 alpha chain; plus strand). Cytogenetic location: 1p32.2.
Variant type: single nucleotide variant.
Coding change: c.88C>G on transcript NM_000562.3 (MANE Select); coding-DNA position 88, C replaced by G.
Protein change: p.Arg30Gly; replaces arginine 30 with glycine.
Molecular consequence: missense variant.
Genome position (GRCh38, 1-based): chr1:56,867,619, C>G. VCF-style: chr1-56867619-C-G. GRCh37 (hg19) VCF-style: chr1-57333292-C-G.
Other names: short protein forms R30G.
Identifiers: ClinVar variation 1958634 (VCV001958634.3), dbSNP rs759882349, ClinGen allele CA340510721.

ClinVar aggregate classification (germline): Uncertain significance (1 of 4 stars; one submission).

Submission:

Labcorp Genetics (formerly Invitae), Labcorp
Classification: Uncertain significance. Last evaluated: 2021-12-24. Review status: criteria provided, single submitter. Criteria: Invitae Variant Classification Sherloc (09022015). Collection method: clinical testing. Allele origin: germline.
Comment: This variant is present in population databases (no rsID available, gnomAD 0.008%). In summary, the available evidence is currently insufficient to determine the role of this variant in disease. Therefore, it has been classified as a Variant of Uncertain Significance. Algorithms developed to predict the effect of missense changes on protein structure and function are either unavailable or do not agree on the potential impact of this missense change (SIFT: "Deleterious"; PolyPhen-2: "Benign"; Align-GVGD: "Class C65"). This variant has not been reported in the literature in individuals affected with C8A-related conditions. This sequence change replaces arginine, which is basic and polar, with glycine, which is neutral and non-polar, at codon 30 of the C8A protein (p.Arg30Gly).